The following is an entry in ClinVar:

ClinVar aggregate classification (germline): Uncertain significance. Review status: criteria provided, multiple submitters, no conflicts (2 of 4 stars). 5 submissions from 5 submitters: Uncertain significance (5). Last evaluated 2025-02-24.

Conditions:
Hereditary cancer-predisposing syndrome. Also called: Neoplastic Syndromes, Hereditary; Tumor predisposition; Hereditary Cancer Syndrome; Hereditary neoplastic syndrome. Identifiers: Orphanet 140162, MedGen C0027672, MeSH D009386, MONDO:0015356.
Prostate cancer, hereditary, 9 (HPC9). Identifiers: Orphanet 1331, MedGen C1970250, MONDO:0012597, OMIM 610997.

Allele frequency attached by ClinVar (database versions not stated): TOPMed 0.00001.
gnomAD v4.1: 3 of 1,611,456 alleles (0.00019%); highest among the groups gnomAD compares: Non-Finnish European, 0.00025%; no homozygotes.

Submissions (5):

Molecular Pathology, Peter Maccallum Cancer Centre
Classification: Uncertain significance for Prostate cancer, hereditary, 9. Last evaluated: 2025-02-24. Review status: criteria provided, single submitter. Criteria: ACMG Guidelines, 2015. Collection method: clinical testing. Allele origin: germline. Inheritance: Autosomal dominant inheritance.

Labcorp Genetics (formerly Invitae), Labcorp
Classification: Uncertain significance. Last evaluated: 2024-10-10. Review status: criteria provided, single submitter. Criteria: Invitae Variant Classification Sherloc (09022015). Collection method: clinical testing. Allele origin: germline.
Comment: This sequence change replaces arginine, which is basic and polar, with histidine, which is basic and polar, at codon 217 of the HOXB13 protein (p.Arg217His). The frequency data for this variant in the population databases is considered unreliable, as metrics indicate poor data quality at this position in the gnomAD database. This variant has not been reported in the literature in individuals affected with HOXB13-related conditions. ClinVar contains an entry for this variant (Variation ID: 483506). Invitae Evidence Modeling of protein sequence and biophysical properties (such as structural, functional, and spatial information, amino acid conservation, physicochemical variation, residue mobility, and thermodynamic stability) indicates that this missense variant is expected to disrupt HOXB13 protein function with a positive predictive value of 80%. In summary, the available evidence is currently insufficient to determine the role of this variant in disease. Therefore, it has been classified as a Variant of Uncertain Significance.

Ambry Genetics
Classification: Uncertain significance for Hereditary cancer-predisposing syndrome. Last evaluated: 2024-09-06. Review status: criteria provided, single submitter. Criteria: Ambry Variant Classification Scheme 2023. Collection method: clinical testing. Allele origin: germline.
Comment: The p.R217H variant (also known as c.650G>A), located in coding exon 2 of the HOXB13 gene, results from a G to A substitution at nucleotide position 650. The arginine at codon 217 is replaced by histidine, an amino acid with highly similar properties. This amino acid position is highly conserved in available vertebrate species. In addition, this alteration is predicted to be deleterious by in silico analysis. Based on the available evidence, the clinical significance of this variant remains unclear.

Fulgent Genetics
Classification: Uncertain significance for Prostate cancer, hereditary, 9. Last evaluated: 2024-05-14. Review status: criteria provided, single submitter. Criteria: ACMG Guidelines, 2015. Collection method: clinical testing. Allele origin: germline.

Quest Diagnostics Nichols Institute San Juan Capistrano
Classification: Uncertain significance. Last evaluated: 2024-01-23. Review status: criteria provided, single submitter. Criteria: Quest Diagnostics criteria. Collection method: clinical testing. Allele origin: unknown.
Comment: The HOXB13 c.650G>A (p.Arg217His) variant has not been reported in individuals with HOXB13-related conditions in the published literature. The frequency of this variant in the general population, 0.000008 (2/249302 chromosomes (Genome Aggregation Database)), is uninformative in the assessment of its pathogenicity. Analysis of this variant using bioinformatics tools for the prediction of the effect of amino acid changes on protein structure and function yielded predictions that this variant is damaging. Based on the available information, we are unable to determine the clinical significance of this variant.

Literature cited by the submitters: PubMed 36243179 (cited by Quest Diagnostics Nichols Institute San Juan Capistrano).

NM_006361.6(HOXB13):c.650G>A (p.Arg217His)

Gene: HOXB13 (homeobox B13; minus strand). Cytogenetic location: 17q21.32.
Variant type: single nucleotide variant.
Coding change: c.650G>A on transcript NM_006361.6 (MANE Select); coding-DNA position 650, G replaced by A.
Protein change: p.Arg217His; replaces arginine 217 with histidine.
Molecular consequence: missense variant.
Genome position (GRCh38, 1-based): chr17:48,726,995, C>T on the plus strand (G>A on the coding strand, the complement: HOXB13 is on the minus strand). VCF-style: chr17-48726995-C-T. GRCh37 (hg19) VCF-style: chr17-46804357-C-T.
Other names: short protein forms R217H.
Identifiers: ClinVar variation 483506 (VCV000483506.17), dbSNP rs749518336, ClinGen allele CA400106868.
Genomic context (GRCh38, chr17:48,726,995, plus strand): 5'-GCCGCATACTCCCGCTCCAGCTCCCGCAACTGCCCCTTGCTGTACGGAATGCGTTTCTTG[C>T]GGCCGCGACGAAAGGCGCAGGCGTCAGGAGGGTGCTGCCCGCTGGAGTCTGCGCGGCGTG-3'
Protein context (NP_006352.2, residues 207-227): PPDACAFRRG[Arg217His]KKRIPYSKGQ